The following is an entry in ClinVar:

NM_002373.6(MAP1A):c.668G>A (p.Ser223Asn)

Gene: MAP1A (microtubule associated protein 1A; plus strand). Cytogenetic location: 15q15.3.
Variant type: single nucleotide variant.
Coding change: c.668G>A on transcript NM_002373.6 (MANE Select); coding-DNA position 668, G replaced by A.
Protein change: p.Ser223Asn; replaces serine 223 with asparagine.
Molecular consequence: missense variant.
Genome position (GRCh38, 1-based): chr15:43,522,141, G>A. VCF-style: chr15-43522141-G-A. GRCh37 (hg19) VCF-style: chr15-43814339-G-A.
Other names: c.1382G>A, p.Ser461Asn (NM_001411089.1); short protein forms S223N, S461N.
Identifiers: ClinVar variation 4977644 (VCV004977644.1).
Genomic context (GRCh38, chr15:43,522,141, plus strand): 5'-TCAACCCTGTCAAGGACAGCAAGGAGATGCAGTTCCTCATGCAAAAGTGGGCAGGCAATA[G>A]TAAAGCCAAGACAGGCATCGTGCTGCCCAATGGGAAGGAGGCTGAGATCTCCGTGCCCTA-3'
Protein context (NP_002364.5, residues 213-233): QFLMQKWAGN[Ser223Asn]KAKTGIVLPN

ClinVar aggregate classification (germline): Uncertain significance (1 of 4 stars; one submission).

Conditions:
MAP1A-related disorder. Also called: MAP1A-related condition.

Submission:

PreventionGenetics, part of Exact Sciences
Classification: Uncertain significance for MAP1A-related condition. Last evaluated: 2025-09-20. Review status: criteria provided, single submitter. Criteria: ACMG Guidelines, 2015. Collection method: clinical testing. Allele origin: germline.
Comment: The MAP1A c.668G>A variant is predicted to result in the amino acid substitution p.Ser223Asn. To our knowledge, this variant has not been reported in the literature or in a large population database (gnomAD), indicating this variant is rare. At this time, the clinical significance of this variant is uncertain due to the absence of conclusive functional and genetic evidence.